The following is an entry in ClinVar:

NM_201596.3(CACNB2):c.993G>A (p.Ser331=)

Gene: CACNB2 (calcium voltage-gated channel auxiliary subunit beta 2; plus strand). Cytogenetic location: 10p12.31.
Variant type: single nucleotide variant.
Coding change: c.993G>A on transcript NM_201596.3 (MANE Select); coding-DNA position 993, G replaced by A.
Protein change: p.Ser331=; no amino-acid change (serine 331 retained).
Molecular consequence: synonymous variant.
Genome position (GRCh38, 1-based): chr10:18,527,636, G>A. VCF-style: chr10-18527636-G-A. GRCh37 (hg19) VCF-style: chr10-18816565-G-A.
Other names: p.Ser277=; c.828G>A, p.Ser276= (NM_000724.4); c.795G>A, p.Ser265= (NM_001167945.2); c.714G>A, p.Ser238= (NM_001330060.2); c.849G>A, p.Ser283= (NM_201570.3); c.909G>A, p.Ser303= (NM_201571.4); c.837G>A, p.Ser279= (NM_201572.4); c.831G>A, p.Ser277= (NM_201590.3); and 2 more.
Identifiers: ClinVar variation 242263 (VCV000242263.52), dbSNP rs76956014, ClinGen allele CA5429866.

ClinVar aggregate classification (germline): Benign. Review status: criteria provided, multiple submitters, no conflicts (2 of 4 stars). 9 submissions from 9 submitters: Benign (9). Last evaluated 2026-04-01.

Conditions:
Cardiovascular phenotype. Identifiers: MedGen CN230736.
Brugada syndrome 4 (BRGDA4). Identifiers: Orphanet 130, MedGen C2678477, MONDO:0012743, OMIM 611876.

Allele frequency attached by ClinVar (database versions not stated): 1000 Genomes Project 30x 0.00344; 1000 Genomes Project 0.00359; gnomAD exomes 0.00725; ExAC 0.00729; gnomAD 0.00805 and 0.00852; TOPMed 0.00842; ESP Exome Variant Server 0.00961.
gnomAD v4.1: 16,154 of 1,613,820 alleles (1%); highest among the groups gnomAD compares: Non-Finnish European, 1.2%; 118 homozygotes.

Submissions (9):

CeGaT Center for Human Genetics Tuebingen
Classification: Benign. Last evaluated: 2026-04-01. Review status: criteria provided, single submitter. Criteria: CeGaT Center For Human Genetics Tuebingen Variant Classification Criteria Version 2. Collection method: clinical testing. Allele origin: germline. Affected: yes. Observed: 9 variant alleles.
Comment: CACNB2: BP4, BP7, BS1, BS2

Labcorp Genetics (formerly Invitae), Labcorp
Classification: Benign for Brugada syndrome 4. Last evaluated: 2026-02-01. Review status: criteria provided, single submitter. Criteria: Invitae Variant Classification Sherloc (09022015). Collection method: clinical testing. Allele origin: germline.

Blueprint Genetics
Classification: Benign. Last evaluated: 2024-11-26. Review status: criteria provided, single submitter. Criteria: ACMG Guidelines, 2015. Collection method: clinical testing. Allele origin: germline.

Mayo Clinic Laboratories, Mayo Clinic
Classification: Benign. Last evaluated: 2024-08-21. Review status: criteria provided, single submitter. Criteria: ACMG Guidelines, 2015. Collection method: clinical testing. Allele origin: germline. Observed: 6 variant alleles.
Comment: BS1, BS2, BP4, BP7

ARUP Laboratories, Molecular Genetics and Genomics, ARUP Laboratories
Classification: Benign for Brugada syndrome 4. Last evaluated: 2023-11-01. Review status: criteria provided, single submitter. Criteria: ARUP Molecular Germline Variant Investigation Process 2024. Collection method: clinical testing. Allele origin: germline.

Women's Health and Genetics/Laboratory Corporation of America, LabCorp
Classification: Benign. Last evaluated: 2016-08-09. Review status: criteria provided, single submitter. Criteria: LabCorp Variant Classification Summary - May 2015. Collection method: clinical testing. Allele origin: germline.
Comment: Variant summary: The CACNB2 c.831G>A (p.Ser277Ser) variant causes a synonymous change involving a non-conserved nucleotide. 5/5 splice prediction tools predict no significant impact on normal splicing. The variant of interest was observed in the large, broad control population, ExAC, with an allele frequency of 884/121214 (1/137, 9 homozygotes), which significantly exceeds the estimated maximal expected allele frequency for a pathogenic CACNB2 variant of 1/100000 (0.00001), suggesting this variant is likely a benign polymorphism. A reputable clinical laboratory cites the variant as "benign." Therefore, taking all available lines of evidence into consideration, the variant of interest has been classified as Benign.

Ambry Genetics
Classification: Benign for Cardiovascular phenotype. Last evaluated: 2015-08-27. Review status: criteria provided, single submitter. Criteria: Ambry Variant Classification Scheme 2023. Collection method: clinical testing. Allele origin: germline.

GeneDx
Classification: Benign. Last evaluated: 2015-03-03. Review status: criteria provided, single submitter. Criteria: GeneDx Variant Classification Process June 2021. Collection method: clinical testing. Allele origin: germline. Affected: yes.

Breakthrough Genomics
Classification: Benign. Review status: criteria provided, single submitter. Criteria: ACMG Guidelines, 2015. Collection method: not provided. Allele origin: germline. Inheritance: Autosomal dominant inheritance. Affected: yes.